The following is an entry in ClinVar:

ClinVar aggregate classification (germline): Uncertain significance (1 of 4 stars; one submission).

Conditions:
HK1-related disorder. Also called: HK1-related condition; HK1-related disorders.

gnomAD v4.1: 98 of 1,595,974 alleles (0.0061%); highest among the groups gnomAD compares: Non-Finnish European, 0.0071%; no homozygotes.

Submission:

PreventionGenetics, part of Exact Sciences
Classification: Uncertain significance for HK1-related condition. Last evaluated: 2026-03-12. Review status: criteria provided, single submitter. Criteria: ACMG Guidelines, 2015. Collection method: clinical testing. Allele origin: germline.
Comment: The HK1 c.164G>A variant is predicted to result in the amino acid substitution p.Ser55Asn. To our knowledge, this variant has not been reported in the literature. This variant is reported in 0.0079% of alleles in individuals of European (Non-Finnish) descent in gnomAD. At this time, the clinical significance of this variant is uncertain due to the absence of conclusive functional and genetic evidence.

NM_001358263.1(HK1):c.71G>A (p.Ser24Asn)

Gene: HK1 (hexokinase 1; plus strand). Cytogenetic location: 10q22.1.
Variant type: single nucleotide variant.
Coding change: c.71G>A on transcript NM_001358263.1 (MANE Plus Clinical); coding-DNA position 71, G replaced by A.
Protein change: p.Ser24Asn; replaces serine 24 with asparagine.
Molecular consequence: missense variant. On other transcripts: 5 prime UTR variant (1).
Genome position (GRCh38, 1-based): chr10:69,295,676, G>A. VCF-style: chr10-69295676-G-A. GRCh37 (hg19) VCF-style: chr10-71055432-G-A.
Other names: c.71G>A, p.Ser24Asn (NM_001322364.2, NM_033497.3, NM_033498.3); c.164G>A, p.Ser55Asn (NM_001322365.2); c.-71G>A (NM_033500.2); short protein forms S24N, S55N.
Identifiers: ClinVar variation 4981473 (VCV004981473.1).